The following is an entry in ClinVar:

ClinVar aggregate classification (germline): Uncertain significance (1 of 4 stars; one submission).

Conditions:
Rubinstein-Taybi syndrome due to EP300 haploinsufficiency. Also called: EP300-Related Rubinstein-Taybi Syndrome; RUBINSTEIN-TAYBI SYNDROME 2. Identifiers: Orphanet 353284, Orphanet 783, MedGen C3150941, MONDO:0013364, OMIM 613684.

Submission:

Labcorp Genetics (formerly Invitae), Labcorp
Classification: Uncertain significance for Rubinstein-Taybi syndrome due to EP300 haploinsufficiency. Last evaluated: 2025-05-09. Review status: criteria provided, single submitter. Criteria: Invitae Variant Classification Sherloc (09022015). Collection method: clinical testing. Allele origin: germline.
Comment: This sequence change replaces leucine, which is neutral and non-polar, with histidine, which is basic and polar, at codon 18 of the EP300 protein (p.Leu18His). This variant is not present in population databases (gnomAD no frequency). This variant has not been reported in the literature in individuals affected with EP300-related conditions. Invitae Evidence Modeling of protein sequence and biophysical properties (such as structural, functional, and spatial information, amino acid conservation, physicochemical variation, residue mobility, and thermodynamic stability) has been performed for this missense variant. However, the output from this modeling did not meet the statistical confidence thresholds required to predict the impact of this variant on EP300 protein function. In summary, the available evidence is currently insufficient to determine the role of this variant in disease. Therefore, it has been classified as a Variant of Uncertain Significance.

NM_001429.4(EP300):c.53T>A (p.Leu18His)

Genes: EP300 (EP300 lysine acetyltransferase; plus strand), LOC130067530 (ATAC-STARR-seq lymphoblastoid active region 19106; plus strand). Cytogenetic location: 22q13.2.
Variant type: single nucleotide variant.
Coding change: c.53T>A on transcript NM_001429.4 (MANE Select); coding-DNA position 53, T replaced by A.
Protein change: p.Leu18His; replaces leucine 18 with histidine.
Molecular consequence: missense variant.
Genome position (GRCh38, 1-based): chr22:41,093,057, T>A. VCF-style: chr22-41093057-T-A. GRCh37 (hg19) VCF-style: chr22-41489061-T-A.
Other names: c.53T>A, p.Leu18His (NM_001362843.2); short protein forms L18H.
Identifiers: ClinVar variation 4767592 (VCV004767592.1).
Genomic context (GRCh38, chr22:41,093,057, plus strand): 5'-AATTAAAAATGGCCGAGAATGTGGTGGAACCGGGGCCGCCTTCAGCCAAGCGGCCTAAAC[T>A]CTCATCTCCGGCCCTCTCGGCGTCCGCCAGCGATGGCACAGGTTAGTTTCGGCAGCCCCG-3'
Protein context (NP_001420.2, residues 8-28): PGPPSAKRPK[Leu18His]SSPALSASAS